The following is an entry in ClinVar:

ClinVar aggregate classification (germline): Uncertain significance. Review status: criteria provided, multiple submitters, no conflicts (2 of 4 stars). 2 submissions from 2 submitters: Uncertain significance (2). Last evaluated 2018-01-05.

Conditions:
Charcot-Marie-Tooth Neuropathy X. Identifiers: MedGen CN118851.

Allele frequency attached by ClinVar (database versions not stated): gnomAD exomes below 0.00001.

Submissions (2):

Labcorp Genetics (formerly Invitae), Labcorp
Classification: Uncertain significance for Charcot-Marie-Tooth Neuropathy X. Last evaluated: 2018-01-05. Review status: criteria provided, single submitter. Criteria: Invitae Variant Classification Sherloc (09022015). Collection method: clinical testing. Allele origin: germline.
Comment: This sequence change replaces serine with cysteine at codon 83 of the PRPS1 protein (p.Ser83Cys). The serine residue is moderately conserved and there is a moderate physicochemical difference between serine and cysteine. This variant is not present in population databases (ExAC no frequency). This variant has not been reported in the literature in individuals with PRPS1-related disease. ClinVar contains an entry for this variant (Variation ID: 234860). Algorithms developed to predict the effect of missense changes on protein structure and function (SIFT, PolyPhen-2, Align-GVGD) all suggest that this variant is likely to be tolerated, but these predictions have not been confirmed by published functional studies and their clinical significance is uncertain. In summary, the available evidence is currently insufficient to determine the role of this variant in disease. Therefore, it has been classified as a Variant of Uncertain Significance.

GeneDx
Classification: Uncertain significance. Last evaluated: 2017-03-03. Review status: criteria provided, single submitter. Criteria: GeneDx Variant Classification (06012015). Collection method: clinical testing. Allele origin: germline. Affected: yes.
Comment: The S83C variant has not been published as a pathogenic variant, nor has it been reported as a benign variant to our knowledge. It was not observed in approximately 6,500 individuals of European and African American ancestry in the NHLBI Exome Sequencing Project, indicating it is not a common benign variant in these populations. The S83C variant is a non-conservative amino acid substitution, which is likely to impact secondary protein structure as these residues differ in polarity, charge, size and/or other properties. This substitution occurs at a position that is conserved across species. However, in silico analysis is inconsistent in its predictions as to whether or not the variant is damaging to the protein structure/function. Therefore, based on the currently available information, it is unclear whether this variant is a pathogenic variant or a rare benign variant.

NM_002764.4(PRPS1):c.247A>T (p.Ser83Cys)

Gene: PRPS1 (phosphoribosyl pyrophosphate synthetase 1; plus strand). Cytogenetic location: Xq22.3.
Variant type: single nucleotide variant.
Coding change: c.247A>T on transcript NM_002764.4 (MANE Select); coding-DNA position 247, A replaced by T.
Protein change: p.Ser83Cys; replaces serine 83 with cysteine.
Molecular consequence: missense variant. On other transcripts: intron variant (1).
Genome position (GRCh38, 1-based): chrX:107,639,419, A>T. VCF-style: chrX-107639419-A-T. GRCh37 (hg19) VCF-style: chrX-106882649-A-T.
Other names: c.-82-5758A>T (NM_001204402.2); short protein forms S83C.
Identifiers: ClinVar variation 234860 (VCV000234860.2), dbSNP rs876661263, ClinGen allele CA10577651.
Genomic context (GRCh38, chrX:107,639,419, plus strand): 5'-ATCAATGACAATTTAATGGAGCTTTTGATCATGATTAATGCCTGCAAGATTGCTTCAGCC[A>T]GCCGGGTTACTGCAGTCATCCCATGCTTCCCTTATGCCCGGCAGGATAAGAAAGATAAGG-3'
Protein context (NP_002755.1, residues 73-93): MINACKIASA[Ser83Cys]RVTAVIPCFP